The following is an entry in ClinVar:

ClinVar aggregate classification (germline): Pathogenic/Likely pathogenic. Review status: criteria provided, multiple submitters, no conflicts (2 of 4 stars). 8 submissions from 8 submitters: Pathogenic (5); Likely pathogenic (3). Last evaluated 2026-01-19.

Conditions:
Wilson disease (WND). Also called: Wilson's disease. Identifiers: Orphanet 905, MedGen C0019202, MONDO:0010200, OMIM 277900. Disease mechanism: loss of function.

Allele frequency attached by ClinVar (database versions not stated): gnomAD exomes below 0.00001 and 0.00002; TOPMed below 0.00001; gnomAD 0.00001.
gnomAD v4.1: 36 of 1,614,040 alleles (0.0022%); highest among the groups gnomAD compares: South Asian, 0.0033%; no homozygotes.

Submissions (8):

Labcorp Genetics (formerly Invitae), Labcorp
Classification: Pathogenic for Wilson disease. Last evaluated: 2026-01-19. Review status: criteria provided, single submitter. Criteria: Invitae Variant Classification Sherloc (09022015). Collection method: clinical testing. Allele origin: germline.
Comment: This sequence change replaces glycine, which is neutral and non-polar, with aspartic acid, which is acidic and polar, at codon 591 of the ATP7B protein (p.Gly591Asp). This variant is present in population databases (rs797045402, gnomAD 0.0009%). This missense change has been observed in individual(s) with Wilson disease (PMID: 16088907, 21610751, 26799313). In at least one individual the data is consistent with being in trans (on the opposite chromosome) from a pathogenic variant. ClinVar contains an entry for this variant (Variation ID: 210482). Invitae Evidence Modeling of protein sequence and biophysical properties (such as structural, functional, and spatial information, amino acid conservation, physicochemical variation, residue mobility, and thermodynamic stability) indicates that this missense variant is expected to disrupt ATP7B protein function with a positive predictive value of 80%. Experimental studies have shown that this missense change affects ATP7B function (PMID: 10557326, 17919502). For these reasons, this variant has been classified as Pathogenic.

Natera, Inc.
Classification: Likely pathogenic for Wilson disease. Last evaluated: 2025-09-02. Review status: criteria provided, single submitter. Criteria: Natera Variant Classification Schema (03/2026). Collection method: clinical testing. Allele origin: germline.
Comment: The c.1772G>A variant in ATP7B is a missense variant predicted to cause substitution of glycine to aspartic acid at amino acid 591. This variant is rare in the general population with a frequency below the threshold expected for the associated phenotype(s). This variant has been observed in one or more individuals affected with the associated recessive disease, as either homozygous or compound heterozygous with a second variant (PMID: 26799313, 23518715). Computational prediction algorithms indicate this variant is likely to affect gene or protein function. Given the available evidence, this variant is classified as Likely Pathogenic.

3billion
Classification: Pathogenic for Wilson disease. Last evaluated: 2024-06-12. Review status: criteria provided, single submitter. Criteria: ACMG Guidelines, 2015. Collection method: clinical testing. Allele origin: germline. Affected: yes.
Comment: The variant is observed at an extremely low frequency in the gnomAD v4.0.0 dataset (total allele frequency: 0.002%). Predicted Consequence/Location: The majority of the known disease-causing variants of this gene are variants expected to result in premature termination of the protein. In silico tool predictions suggest damaging effect of the variant on gene or gene product [REVEL: 0.63 (>=0.6, sensitivity 0.68 and specificity 0.92); 3Cnet: 0.69 (>=0.6, sensitivity 0.72 and precision 0.9)]. The same nucleotide change resulting in the same amino acid change has been previously reported as pathogenic/likely pathogenic with strong evidence (ClinVar ID: VCV000552606 /PMID: 10502777). The variant is in trans with the other variant. A different missense change at the same codon (p.Arg616Trp) has been reported as pathogenic/likely pathogenic with strong evidence (ClinVar ID: VCV000863093 /PMID: 11690702). Therefore, this variant is classified as Pathogenic according to the recommendation of ACMG/AMP guideline.

Baylor Genetics
Classification: Pathogenic for Wilson disease. Last evaluated: 2023-06-05. Review status: criteria provided, single submitter. Criteria: ACMG Guidelines, 2015. Collection method: clinical testing. Allele origin: unknown.

Fulgent Genetics
Classification: Pathogenic for Wilson disease. Last evaluated: 2021-09-30. Review status: criteria provided, single submitter. Criteria: ACMG Guidelines, 2015. Collection method: clinical testing. Allele origin: unknown.

Genome-Nilou Lab
Classification: Likely pathogenic for Wilson disease. Last evaluated: 2021-08-10. Review status: criteria provided, single submitter. Criteria: ACMG Guidelines, 2015. Collection method: clinical testing. Allele origin: germline. Affected: no.

Mayo Clinic Laboratories, Mayo Clinic
Classification: Pathogenic. Last evaluated: 2021-06-30. Review status: criteria provided, single submitter. Criteria: ACMG Guidelines, 2015. Collection method: clinical testing. Allele origin: germline.

Genetic Services Laboratory, University of Chicago
Classification: Likely pathogenic for Wilson disease. Last evaluated: 2014-10-28. Review status: criteria provided, single submitter. Criteria: ACMG Guidelines, 2015. Collection method: clinical testing. Allele origin: germline. Affected: yes.

Literature cited by the submitters: PubMed 16088907 (cited by 3 submitters); PubMed 21610751 (cited by Labcorp Genetics (formerly Invitae), Labcorp and Mayo Clinic Laboratories, Mayo Clinic); PubMed 26799313 (cited by 3 submitters); PubMed 10557326 (cited by 3 submitters); PubMed 17919502 (cited by 3 submitters); PubMed 23518715 (cited by Natera, Inc.); PubMed 17823867 (cited by 3billion); PubMed 29063292 (cited by Mayo Clinic Laboratories, Mayo Clinic); PubMed 17949296 (cited by Mayo Clinic Laboratories, Mayo Clinic); PubMed 17717039 (cited by Mayo Clinic Laboratories, Mayo Clinic); PubMed 12885331 (cited by Mayo Clinic Laboratories, Mayo Clinic).

NM_000053.4(ATP7B):c.1772G>A (p.Gly591Asp)

Gene: ATP7B (ATPase copper transporting beta; minus strand). Cytogenetic location: 13q14.3.
Variant type: single nucleotide variant.
Coding change: c.1772G>A on transcript NM_000053.4 (MANE Select); coding-DNA position 1772, G replaced by A.
Protein change: p.Gly591Asp; replaces glycine 591 with aspartic acid.
Molecular consequence: missense variant.
Genome position (GRCh38, 1-based): chr13:51,964,969, C>T on the plus strand (G>A on the coding strand, the complement: ATP7B is on the minus strand). VCF-style: chr13-51964969-C-T. GRCh37 (hg19) VCF-style: chr13-52539105-C-T.
Other names: c.1772G>A, p.Gly591Asp (NM_001005918.3, NM_001330578.2, NM_001330579.2); c.1439G>A, p.Gly480Asp (NM_001243182.2); short protein forms G591D, G480D.
Identifiers: ClinVar variation 210482 (VCV000210482.29), dbSNP rs797045402, ClinGen allele CA277133.